The following is an entry in ClinVar:

NM_000545.8(HNF1A):c.1706G>A (p.Ser569Asn)

Gene: HNF1A (HNF1 homeobox A; plus strand). Cytogenetic location: 12q24.31.
Variant type: single nucleotide variant.
Coding change: c.1706G>A on transcript NM_000545.8 (MANE Select); coding-DNA position 1706, G replaced by A.
Protein change: p.Ser569Asn; replaces serine 569 with asparagine.
Molecular consequence: missense variant.
Genome position (GRCh38, 1-based): chr12:120,999,565, G>A. VCF-style: chr12-120999565-G-A. GRCh37 (hg19) VCF-style: chr12-121437368-G-A.
Other names: c.1727G>A, p.Ser576Asn (NM_001306179.2); short protein forms S569N, S576N.
Identifiers: ClinVar variation 994544 (VCV000994544.7), dbSNP rs752219487, ClinGen allele CA6832153.

ClinVar aggregate classification (germline): Conflicting classifications of pathogenicity. Review status: criteria provided, conflicting classifications (1 of 4 stars). 4 submissions from 4 submitters: Uncertain significance (3); Benign (1). Last evaluated 2026-02-03.

Conditions:
Maturity-onset diabetes of the young type 3. Also called: MODY type 3; MODY, type III. Identifiers: Orphanet 552, MedGen C1838100, MeSH C563933, MONDO:0010894, OMIM 600496. Disease mechanism: loss of function.
Diabetes mellitus type 1 (T1D). Also called: Diabetes Mellitus, Juvenile-Onset; Type I diabetes mellitus. Identifiers: MedGen C0011854, MONDO:0005147, OMIM 222100, HP:0100651.
Type 2 diabetes mellitus. Also called: Type II diabetes mellitus. Identifiers: MedGen C0011860, MeSH D003924, MONDO:0005148, OMIM 125853, HP:0005978.
Hepatic adenomas, familial. Also called: LIVER CELL ADENOMAS, FAMILIAL; HEPATIC ADENOMA, SOMATIC. Identifiers: MedGen C1840646, MONDO:0007718, OMIM 142330.
Type 1 diabetes mellitus 20 (T1D20). Also called: Diabetes mellitus, insulin-dependent, 20. Identifiers: MedGen C2675866, MONDO:0012919, OMIM 612520.
Nonpapillary renal cell carcinoma. Identifiers: Orphanet 422526, MedGen CN074294, MONDO:0007763, OMIM 144700.
Maturity-onset diabetes of the young (MODY). Also called: Maturity onset diabetes mellitus in young. Identifiers: Orphanet 552, MedGen C0342276, MONDO:0018911, HP:0004904.

Allele frequency attached by ClinVar (database versions not stated): ExAC 0.00001; gnomAD exomes 0.00001 and 0.00002; gnomAD 0.00009 and 0.00011; TOPMed 0.00022.
gnomAD v4.1: 31 of 1,612,786 alleles (0.0019%); highest among the groups gnomAD compares: Admixed American, 0.035%; no homozygotes.

Submissions (4):

Labcorp Genetics (formerly Invitae), Labcorp
Classification: Benign. Last evaluated: 2026-02-03. Review status: criteria provided, single submitter. Criteria: Invitae Variant Classification Sherloc (09022015). Collection method: clinical testing. Allele origin: germline.

Fulgent Genetics
Classification: Uncertain significance for Type 2 diabetes mellitus; Hepatic adenomas, familial; Nonpapillary renal cell carcinoma; Diabetes mellitus type 1; Maturity-onset diabetes of the young type 3; Type 1 diabetes mellitus 20. Last evaluated: 2022-01-13. Review status: criteria provided, single submitter. Criteria: ACMG Guidelines, 2015. Collection method: clinical testing. Allele origin: unknown.

Athena Diagnostics
Classification: Uncertain significance. Last evaluated: 2019-11-20. Review status: criteria provided, single submitter. Criteria: Athena Diagnostics Criteria. Collection method: clinical testing. Allele origin: unknown.

Clinical Genomics, Uppaluri K&H Personalized Medicine Clinic
Classification: Uncertain significance for Maturity-onset diabetes of the young. Review status: criteria provided, single submitter. Criteria: K & H Uppaluri Personalized Medicine Clinic Variant Classification & Assertion Criteria_Updated V.1. Collection method: research. Allele origin: unknown. Inheritance: Autosomal dominant inheritance.
Comment: Mutations in HNF1A gene can predispose to MODY3. It is associated with both micro and macrovascular complications of diabetes, especially cardiovascular complications. Associated with glucosuria. May respond well to sulfonylureas. However, more evidence is required to confer the association of this particular variant rs752219487 with MODY3.

Literature cited by the submitters: PubMed 31517624 (cited by Clinical Genomics, Uppaluri K&H Personalized Medicine Clinic); PubMed 32395877 (cited by Clinical Genomics, Uppaluri K&H Personalized Medicine Clinic); PubMed 35328643 (cited by Clinical Genomics, Uppaluri K&H Personalized Medicine Clinic); PubMed 35673428 (cited by Clinical Genomics, Uppaluri K&H Personalized Medicine Clinic).